The following is an entry in ClinVar:

ClinVar aggregate classification (germline): Benign/Likely benign. Review status: criteria provided, multiple submitters, no conflicts (2 of 4 stars). 6 submissions from 6 submitters: Benign (3); Likely benign (3). Last evaluated 2026-05-05.

Conditions:
Endometrial carcinoma. Also called: Endometrial carcinoma, somatic. Identifiers: MedGen C0476089, MONDO:0002447, OMIM 608089, HP:0012114.
Colorectal cancer, hereditary nonpolyposis, type 7. Identifiers: Orphanet 144, MedGen C1858380, MONDO:0013725, OMIM 614385.
Colorectal cancer. Also called: Colorectal cancer, somatic; Malignant Colorectal Neoplasm. Identifiers: MedGen C0346629, MONDO:0005575, OMIM 114500.

Allele frequency attached by ClinVar (database versions not stated): TOPMed 0.00006; gnomAD 0.00006; ESP Exome Variant Server 0.00015.

Submissions (6):

Myriad Genetics, Inc.
Classification: Benign for Colorectal cancer, hereditary nonpolyposis, type 7. Last evaluated: 2026-05-05. Review status: criteria provided, single submitter. Criteria: Myriad Autosomal Dominant, Autosomal Recessive and X-Linked Classification Criteria (2023). Collection method: clinical testing. Allele origin: unknown.
Comment: This variant is considered benign. This variant is a silent/synonymous amino acid change and it is not expected to impact splicing.

Labcorp Genetics (formerly Invitae), Labcorp
Classification: Benign for Colorectal cancer, hereditary nonpolyposis, type 7. Last evaluated: 2025-07-21. Review status: criteria provided, single submitter. Criteria: Invitae Variant Classification Sherloc (09022015). Collection method: clinical testing. Allele origin: germline.

Center for Genomic Medicine, Rigshospitalet, Copenhagen University Hospital
Classification: Likely benign. Last evaluated: 2025-03-04. Review status: criteria provided, single submitter. Criteria: ACMG Guidelines, 2015. Collection method: clinical testing. Allele origin: germline.

Department of Pathology and Laboratory Medicine, Sinai Health System
Classification: Likely benign for Colorectal cancer; Endometrial carcinoma; Colorectal cancer, hereditary nonpolyposis, type 7. Last evaluated: 2024-04-09. Review status: criteria provided, single submitter. Criteria: ACMG Guidelines, 2015. Collection method: clinical testing. Allele origin: germline. Affected: yes.

Ambry Genetics
Classification: Benign. Last evaluated: 2020-09-21. Review status: criteria provided, single submitter. Criteria: Ambry Variant Classification Scheme 2023. Collection method: clinical testing. Allele origin: germline.

Illumina Laboratory Services, Illumina
Classification: Likely benign for Colorectal cancer, hereditary nonpolyposis, type 7. Last evaluated: 2017-05-27. Review status: criteria provided, single submitter. Criteria: ICSL Variant Classification Criteria 13 December 2019. Collection method: clinical testing. Allele origin: germline.
Comment: This variant was observed as part of a predisposition screen in an ostensibly healthy population. A literature search was performed for the gene, cDNA change, and amino acid change (where applicable). No publications were found based on this search. Allele frequency data from public databases allowed determination this variant is unlikely to cause disease. Therefore, this variant is classified as likely benign.

NM_001040108.2(MLH3):c.3312C>T (p.Ser1104=)

Gene: MLH3 (mutL homolog 3; minus strand). Cytogenetic location: 14q24.3.
Variant type: single nucleotide variant.
Coding change: c.3312C>T on transcript NM_001040108.2 (MANE Select); coding-DNA position 3312, C replaced by T.
Protein change: p.Ser1104=; no amino-acid change (serine 1104 retained).
Molecular consequence: synonymous variant.
Genome position (GRCh38, 1-based): chr14:75,042,446, G>A on the plus strand (C>T on the coding strand, the complement: MLH3 is on the minus strand). VCF-style: chr14-75042446-G-A. GRCh37 (hg19) VCF-style: chr14-75509149-G-A.
Other names: c.3312C>T, p.Ser1104= (NM_014381.3).
Identifiers: ClinVar variation 695970 (VCV000695970.21), dbSNP rs149369905, ClinGen allele CA7275539.
Genomic context (GRCh38, chr14:75,042,446, plus strand): 5'-ATCCTGTCTCATCACAGTCCTCTCTGCTCGAGCTCTCGGAAGGAAAGGAAGAACAAGGTC[G>A]CTTCTAAAAGGTTGACACCTGTACTGAGACCCTAAATATAAGAAAGAAAAACCTAGAAAT-3'
Protein context (NP_001035197.1, residues 1094-1114): GSQYRCQPFR[Ser1104=]DLVLPFLPRA